The following is an entry in ClinVar:

ClinVar aggregate classification (germline): Uncertain significance (1 of 4 stars; one submission).

Submission:

GeneDx
Classification: Uncertain significance. Last evaluated: 2023-03-24. Review status: criteria provided, single submitter. Criteria: GeneDx Variant Classification Process June 2021. Collection method: clinical testing. Allele origin: germline. Affected: yes.
Comment: Not observed at significant frequency in large population cohorts (gnomAD); In silico analysis supports that this missense variant has a deleterious effect on protein structure/function; This variant is associated with the following publications: (PMID: 28511835, 28229249)

NM_183357.3(ADCY5):c.3086T>G (p.Met1029Arg)

Gene: ADCY5 (adenylate cyclase 5; minus strand). Cytogenetic location: 3q21.1.
Variant type: single nucleotide variant.
Coding change: c.3086T>G on transcript NM_183357.3 (MANE Select); coding-DNA position 3086, T replaced by G.
Protein change: p.Met1029Arg; replaces methionine 1029 with arginine.
Molecular consequence: missense variant.
Genome position (GRCh38, 1-based): chr3:123,291,354, A>C on the plus strand (T>G on the coding strand, the complement: ADCY5 is on the minus strand). VCF-style: chr3-123291354-A-C. GRCh37 (hg19) VCF-style: chr3-123010201-A-C.
Other names: c.2036T>G, p.Met679Arg (NM_001199642.1); c.3161T>G, p.Met1054Arg (NM_001378259.1); short protein forms M1029R, M1054R, M679R.
Identifiers: ClinVar variation 2580705 (VCV002580705.1), dbSNP rs864309484, ClinGen allele CA354223846.